The following is an entry in ClinVar:

NM_000179.3(MSH6):c.3439-18T>C

Gene: MSH6 (mutS homolog 6; plus strand). Cytogenetic location: 2p16.3.
Variant type: single nucleotide variant.
Coding change: c.3439-18T>C on transcript NM_000179.3 (MANE Select); 18 bases into the intron before coding-DNA position 3439, T replaced by C.
Molecular consequence: intron variant.
Genome position (GRCh38, 1-based): chr2:47,804,892, T>C. VCF-style: chr2-47804892-T-C. GRCh37 (hg19) VCF-style: chr2-48032031-T-C.
Other names: c.3439-18T>C (NM_001406809.1, NM_001406796.1, NM_001406808.1 and 1 more transcripts); c.2533-18T>C (NM_001406811.1, NM_001406814.1, NM_001281493.2 and 6 more transcripts); c.3142-18T>C (NM_001406805.1, NM_001406797.1, NM_001406801.1 and 10 more transcripts); c.3535-18T>C (NM_001406795.1, NM_001406802.1); c.3445-18T>C (NM_001406813.1); c.2914-18T>C (NM_001406807.1, NM_001406799.1, NM_001406806.1); c.3265-18T>C (NM_001406798.1); c.2575-18T>C (NM_001406803.1); and 7 more.
Identifiers: ClinVar variation 3903560 (VCV003903560.1).

ClinVar aggregate classification (germline): Likely benign (1 of 4 stars; one submission).

Conditions:
Lynch syndrome 5 (LYNCH5). Also called: Colorectal cancer, hereditary nonpolyposis, type 5; Hereditary non-polyposis colorectal cancer, type 5. Identifiers: Orphanet 144, MedGen C1833477, MONDO:0013710, OMIM 614350. Disease mechanism: loss of function.

gnomAD v4.1: 1 of 1,591,010 alleles (0.000063%); highest among the groups gnomAD compares: African/African-American, 0.0013%; no homozygotes.

Submission:

Myriad Genetics, Inc.
Classification: Likely benign for Lynch syndrome 5. Last evaluated: 2025-01-06. Review status: criteria provided, single submitter. Criteria: Myriad Autosomal Dominant, Autosomal Recessive and X-Linked Classification Criteria (2023). Collection method: clinical testing. Allele origin: unknown.
Comment: This variant is considered likely benign. This variant is intronic and is not expected to impact mRNA splicing.